The following is an entry in ClinVar:

ClinVar aggregate classification (germline): Uncertain significance (1 of 4 stars; one submission).

Conditions:
CREBBP-related disorder. Also called: CREBBP-related disorders; CREBBP-related condition.

gnomAD v4.1: 20 of 1,613,644 alleles (0.0012%); highest among the groups gnomAD compares: Non-Finnish European, 0.0017%; no homozygotes.

Submission:

PreventionGenetics, part of Exact Sciences
Classification: Uncertain significance for CREBBP-related condition. Last evaluated: 2025-12-22. Review status: criteria provided, single submitter. Criteria: ACMG Guidelines, 2015. Collection method: clinical testing. Allele origin: germline.
Comment: The CREBBP c.6435G>T variant is predicted to result in the amino acid substitution p.Met2145Ile. To our knowledge, this variant has not been reported in the literature. This variant is reported in 0.0027% of alleles in individuals of European (Non-Finnish) descent in gnomAD. At this time, the clinical significance of this variant is uncertain due to the absence of conclusive functional and genetic evidence.

NM_004380.3(CREBBP):c.6435G>T (p.Met2145Ile)

Gene: CREBBP (CREB binding lysine acetyltransferase; minus strand). Cytogenetic location: 16p13.3.
Variant type: single nucleotide variant.
Coding change: c.6435G>T on transcript NM_004380.3 (MANE Select); coding-DNA position 6435, G replaced by T.
Protein change: p.Met2145Ile; replaces methionine 2145 with isoleucine.
Molecular consequence: missense variant.
Genome position (GRCh38, 1-based): chr16:3,728,612, C>A on the plus strand (G>T on the coding strand, the complement: CREBBP is on the minus strand). VCF-style: chr16-3728612-C-A. GRCh37 (hg19) VCF-style: chr16-3778613-C-A.
Other names: c.6321G>T, p.Met2107Ile (NM_001079846.1); short protein forms M2107I, M2145I.
Identifiers: ClinVar variation 4981535 (VCV004981535.1).
Genomic context (GRCh38, chr16:3,728,612, plus strand): 5'-GTTCAGGCCTCCCATCGCCTGCTGCTGTGGAGGCACACCGGGCCGCGGCACGCCAGCCTG[C>A]ATGGCATTCAGGTTCTGCAGGCTGGGCTGCTGGTGCATGCCAGGCTGGGGTTGCATGCCG-3'
Protein context (NP_004371.2, residues 2135-2155): QQPSLQNLNA[Met2145Ile]QAGVPRPGVP